The following is an entry in ClinVar:

NM_014363.6(SACS):c.4824_4825dup (p.Lys1609fs)

Gene: SACS (sacsin molecular chaperone; minus strand). Cytogenetic location: 13q12.12.
Variant type: Duplication.
Coding change: c.4824_4825dup on transcript NM_014363.6 (MANE Select); coding-DNA positions 4824 to 4825, 2 bases duplicated (GA; older notation c.4824_4825dupGA).
Protein change: p.Lys1609fs; shifts the reading frame from lysine 1609.
Molecular consequence: frameshift variant.
Genome position (GRCh38, 1-based): chr13:23,339,051-23,339,052, TC duplicated on the plus strand (GA on the coding strand, the reverse complement: SACS is on the minus strand); duplicating any 2 consecutive bases within chr13:23,339,051-23,339,053 gives the same sequence; the c. name uses the placement nearest the transcript's 3' end. VCF-style (leftmost placement, unchanged base first): chr13-23339050-T-TTC. GRCh37 (hg19) VCF-style: chr13-23913189-T-TTC.
Other names: c.4383_4384dup, p.Lys1462fs (NM_001278055.2); c.4851_4852dup, p.Lys1618fs (NM_001437336.1); short protein forms K1618fs, K1609fs, K1462fs.
Identifiers: ClinVar variation 5004516 (VCV005004516.1).

ClinVar aggregate classification (germline): Pathogenic (1 of 4 stars; one submission).

Conditions:
Charlevoix-Saguenay spastic ataxia (SACS). Also called: AUTOSOMAL RECESSIVE SPASTIC ATAXIA OF CHARLEVOIX-SAGUENAY; Spastic ataxia of Charlevoix-Saguenay; SPASTIC ATAXIA 6, AUTOSOMAL RECESSIVE. Identifiers: Orphanet 98, MedGen C1849140, MONDO:0010041, OMIM 270550.

Submission:

Myriad Genetics, Inc.
Classification: Pathogenic for Charlevoix-Saguenay spastic ataxia. Last evaluated: 2026-03-09. Review status: criteria provided, single submitter. Criteria: Myriad Autosomal Dominant, Autosomal Recessive and X-Linked Classification Criteria (2023). Collection method: clinical testing. Allele origin: unknown.
Comment: NM_014363.4(SACS):c.4824_4825dupGA(K1609Rfs*15) is a frameshift variant classified as pathogenic in the context of autosomal recessive spastic ataxia of Charlevoix-Saguenay. K1609Rfs*15 has not been observed in cases with relevant disease. Relevant functional assessments of this variant are not available in the literature. K1609Rfs*15 has not been observed in referenced population frequency databases. In summary, NM_014363.4(SACS):c.4824_4825dupGA(K1609Rfs*15) is a frameshift variant in a gene where loss of function is a known mechanism of disease and is predicted to disrupt protein function. Please note: this variant was assessed in the context of healthy population screening.